The following is an entry in ClinVar:

NM_001252024.2(TRPM1):c.2402A>G (p.Glu801Gly)

Gene: TRPM1 (transient receptor potential cation channel subfamily M member 1; minus strand). Cytogenetic location: 15q13.3.
Variant type: single nucleotide variant.
Coding change: c.2402A>G on transcript NM_001252024.2 (MANE Select); coding-DNA position 2402, A replaced by G.
Protein change: p.Glu801Gly; replaces glutamic acid 801 with glycine.
Molecular consequence: missense variant.
Genome position (GRCh38, 1-based): chr15:31,038,081, T>C on the plus strand (A>G on the coding strand, the complement: TRPM1 is on the minus strand). VCF-style: chr15-31038081-T-C. GRCh37 (hg19) VCF-style: chr15-31330284-T-C.
Other names: c.2453A>G (NM_001252020.1); c.2453A>G, p.Glu818Gly (NM_001252020.2); c.2336A>G, p.Glu779Gly (NM_002420.6); c.2336A>G (NM_002420.4); short protein forms E779G, E818G, E801G.
Identifiers: ClinVar variation 969208 (VCV000969208.10), dbSNP rs375423275, ClinGen allele CA7452224.

ClinVar aggregate classification (germline): Uncertain significance. Review status: criteria provided, multiple submitters, no conflicts (2 of 4 stars). 3 submissions from 3 submitters: Uncertain significance (3). Last evaluated 2025-10-16.

Conditions:
Inborn genetic diseases. Identifiers: MedGen C0950123, MeSH D030342.
TRPM1-related disorder. Also called: TRPM1-related condition.

Allele frequency attached by ClinVar (database versions not stated): ExAC 0.00003; gnomAD 0.00004 and 0.00005; gnomAD exomes 0.00004 and 0.00011; TOPMed 0.00006; ESP Exome Variant Server 0.00008.
gnomAD v4.1: 163 of 1,614,084 alleles (0.01%); highest among the groups gnomAD compares: Non-Finnish European, 0.013%; no homozygotes.

Submissions (3):

PreventionGenetics, part of Exact Sciences
Classification: Uncertain significance for TRPM1-related condition. Last evaluated: 2025-10-16. Review status: criteria provided, single submitter. Criteria: ACMG Guidelines, 2015. Collection method: clinical testing. Allele origin: germline.
Comment: The TRPM1 c.2453A>G variant is predicted to result in the amino acid substitution p.Glu818Gly. To our knowledge, this variant has not been reported in the literature. This variant is present in 0.0070% of alleles in individuals of European (Non-Finnish) descent in gnomAD. At this time, the clinical significance of this variant is uncertain due to the absence of conclusive functional and genetic evidence.

Labcorp Genetics (formerly Invitae), Labcorp
Classification: Uncertain significance. Last evaluated: 2024-08-30. Review status: criteria provided, single submitter. Criteria: Invitae Variant Classification Sherloc (09022015). Collection method: clinical testing. Allele origin: germline.
Comment: This sequence change replaces glutamic acid, which is acidic and polar, with glycine, which is neutral and non-polar, at codon 779 of the TRPM1 protein (p.Glu779Gly). This variant is present in population databases (rs375423275, gnomAD 0.008%). This variant has not been reported in the literature in individuals affected with TRPM1-related conditions. ClinVar contains an entry for this variant (Variation ID: 969208). Invitae Evidence Modeling of protein sequence and biophysical properties (such as structural, functional, and spatial information, amino acid conservation, physicochemical variation, residue mobility, and thermodynamic stability) indicates that this missense variant is not expected to disrupt TRPM1 protein function with a negative predictive value of 95%. In summary, the available evidence is currently insufficient to determine the role of this variant in disease. Therefore, it has been classified as a Variant of Uncertain Significance.

Ambry Genetics
Classification: Uncertain significance for Inborn genetic diseases. Last evaluated: 2023-10-02. Review status: criteria provided, single submitter. Criteria: Ambry Variant Classification Scheme 2023. Collection method: clinical testing. Allele origin: germline.